The following is an entry in ClinVar:

NM_018100.4(EFHC1):c.16G>A (p.Val6Met)

Gene: EFHC1 (EF-hand domain containing 1; plus strand). Cytogenetic location: 6p12.2.
Variant type: single nucleotide variant.
Coding change: c.16G>A on transcript NM_018100.4 (MANE Select); coding-DNA position 16, G replaced by A.
Protein change: p.Val6Met; replaces valine 6 with methionine.
Molecular consequence: missense variant. On other transcripts: non-coding transcript variant (1).
Genome position (GRCh38, 1-based): chr6:52,420,426, G>A. VCF-style: chr6-52420426-G-A. GRCh37 (hg19) VCF-style: chr6-52285224-G-A.
Other names: short protein forms V6M.
Identifiers: ClinVar variation 937097 (VCV000937097.11), dbSNP rs772150303, ClinGen allele CA3855629.

ClinVar aggregate classification (germline): Uncertain significance (1 of 4 stars; one submission).

Conditions:
Absence seizure. Also called: Absence epilepsy. Identifiers: Orphanet 1941, MedGen C0014553.
Myoclonic epilepsy, juvenile, susceptibility to, 1. Also called: Myoclonic Epilepsy, Juvenile, 1; EJM1. Identifiers: MedGen C1850778, MONDO:0020752, OMIM 254770.

Allele frequency attached by ClinVar (database versions not stated): ExAC 0.00001; gnomAD exomes 0.00002; TOPMed 0.00002.
gnomAD v4.1: 18 of 1,614,124 alleles (0.0011%); highest among the groups gnomAD compares: Non-Finnish European, 0.0014%; no homozygotes.

Submission:

Labcorp Genetics (formerly Invitae), Labcorp
Classification: Uncertain significance for Myoclonic epilepsy, juvenile, susceptibility to, 1; Absence seizure. Last evaluated: 2020-06-03. Review status: criteria provided, single submitter. Criteria: Invitae Variant Classification Sherloc (09022015). Collection method: clinical testing. Allele origin: germline.
Comment: This sequence change replaces valine with methionine at codon 6 of the EFHC1 protein (p.Val6Met). The valine residue is moderately conserved and there is a small physicochemical difference between valine and methionine. This variant is present in population databases (rs772150303, ExAC 0.001%). This variant has not been reported in the literature in individuals with EFHC1-related conditions. Algorithms developed to predict the effect of missense changes on protein structure and function (SIFT, PolyPhen-2, Align-GVGD) all suggest that this variant is likely to be tolerated, but these predictions have not been confirmed by published functional studies and their clinical significance is uncertain. In summary, the available evidence is currently insufficient to determine the role of this variant in disease. Therefore, it has been classified as a Variant of Uncertain Significance.